The following is an entry in ClinVar:

ClinVar aggregate classification (germline): Conflicting classifications of pathogenicity. Review status: criteria provided, conflicting classifications (1 of 4 stars). 3 submissions from 3 submitters: Uncertain significance (2); Likely benign (1). Last evaluated 2025-11-18.

Conditions:
Inborn genetic diseases. Identifiers: MedGen C0950123, MeSH D030342.
Cataract 22 multiple types. Also called: Cataract 22; CATARACT 22, NUCLEAR, AUTOSOMAL RECESSIVE; CATARACT 22, MULTIPLE TYPES, AUTOSOMAL DOMINANT. Identifiers: Orphanet 91492, MedGen C1857853, MONDO:0012336, OMIM 609741.

Allele frequency attached by ClinVar (database versions not stated): ExAC 0.00005; gnomAD 0.00006 and 0.00007; gnomAD exomes 0.00006; 1000 Genomes Project 0.00020; TOPMed 0.00027; 1000 Genomes Project 30x 0.00031.
gnomAD v4.1: 108 of 1,614,134 alleles (0.0067%); highest among the groups gnomAD compares: Middle Eastern, 0.066%; no homozygotes.

Submissions (3):

Labcorp Genetics (formerly Invitae), Labcorp
Classification: Uncertain significance for Cataract 22 multiple types. Last evaluated: 2025-11-18. Review status: criteria provided, single submitter. Criteria: Invitae Variant Classification Sherloc (09022015). Collection method: clinical testing. Allele origin: germline.
Comment: This sequence change replaces phenylalanine, which is neutral and non-polar, with isoleucine, which is neutral and non-polar, at codon 79 of the CRYBB3 protein (p.Phe79Ile). This variant is present in population databases (rs200457939, gnomAD 0.01%). This variant has not been reported in the literature in individuals affected with CRYBB3-related conditions. ClinVar contains an entry for this variant (Variation ID: 903287). An algorithm developed to predict the effect of missense changes on protein structure and function (PolyPhen-2) suggests that this variant is likely to be disruptive. In summary, the available evidence is currently insufficient to determine the role of this variant in disease. Therefore, it has been classified as a Variant of Uncertain Significance.

Ambry Genetics
Classification: Uncertain significance for Inborn genetic diseases. Last evaluated: 2021-08-09. Review status: criteria provided, single submitter. Criteria: Ambry Variant Classification Scheme 2023. Collection method: clinical testing. Allele origin: germline.

Illumina Laboratory Services, Illumina
Classification: Likely benign for Cataract 22 multiple types. Last evaluated: 2017-04-27. Review status: criteria provided, single submitter. Criteria: ICSL Variant Classification Criteria 13 December 2019. Collection method: clinical testing. Allele origin: germline.
Comment: This variant was observed as part of a predisposition screen in an ostensibly healthy population. A literature search was performed for the gene, cDNA change, and amino acid change (where applicable). No publications were found based on this search. Allele frequency data from public databases allowed determination this variant is unlikely to cause disease. Therefore, this variant is classified as likely benign.

NM_004076.5(CRYBB3):c.235T>A (p.Phe79Ile)

Gene: CRYBB3 (crystallin beta B3; plus strand). Cytogenetic location: 22q11.23.
Variant type: single nucleotide variant.
Coding change: c.235T>A on transcript NM_004076.5 (MANE Select); coding-DNA position 235, T replaced by A.
Protein change: p.Phe79Ile; replaces phenylalanine 79 with isoleucine.
Molecular consequence: missense variant.
Genome position (GRCh38, 1-based): chr22:25,203,803, T>A. VCF-style: chr22-25203803-T-A. GRCh37 (hg19) VCF-style: chr22-25599770-T-A.
Other names: c.235T>A (NM_004076.3); short protein forms F79I.
Identifiers: ClinVar variation 903287 (VCV000903287.14), dbSNP rs200457939, ClinGen allele CA10157720.